The following is an entry in ClinVar:

NC_000022.11:g.(?_50206317)_(50229577_?)del

Genes: SELENOO (selenoprotein O; plus strand), TUBGCP6 (tubulin gamma complex component 6; minus strand). Cytogenetic location: 22q13.33.
Variant type: Deletion.
Identifiers: ClinVar variation 833026 (VCV000833026.2).

ClinVar aggregate classification (germline): Uncertain significance (1 of 4 stars; one submission).

Submission:

Labcorp Genetics (formerly Invitae), Labcorp
Classification: Uncertain significance. Last evaluated: 2019-12-31. Review status: criteria provided, single submitter. Criteria: Invitae Variant Classification Sherloc (09022015). Collection method: clinical testing. Allele origin: germline.
Comment: This variant is a gross deletion of the genomic region encompassing exons 4-25 of the TUBGCP6 gene. The 5' boundary is likely confined to intron 3. The 3' end of this event is unknown as it extends through the termination codon beyond the assayed region for this gene and may encompass additional genes. While this deletion is not anticipated to result in nonsense mediated decay, it is expected to create a truncated protein product or disrupt mRNA translation. This variant has not been reported in the literature in individuals with TUBGCP6-related conditions. This variant disrupts a region of the protein in which other variant(s) (p.Glu849Gly) have been observed in individuals with TUBGCP6-related conditions (PMID: 25344692). This suggests that this may be a clinically significant region of the TUBGCP6 protein. In summary, the available evidence is currently insufficient to determine the role of this variant in disease. Therefore, it has been classified as a Variant of Uncertain Significance.

Literature cited by the submitters: PubMed 25344692.